The following is an entry in ClinVar:

ClinVar aggregate classification (germline): Uncertain significance (1 of 4 stars; one submission).

Conditions:
Early-infantile DEE. Also called: Ohtahara syndrome; Early infantile epileptic encephalopathy with suppression bursts; Early infantile epileptic encephalopathy. Identifiers: Orphanet 1934, MedGen C0393706, MONDO:0800491.

Submission:

Labcorp Genetics (formerly Invitae), Labcorp
Classification: Uncertain significance for Early-infantile DEE. Last evaluated: 2022-03-19. Review status: criteria provided, single submitter. Criteria: Invitae Variant Classification Sherloc (09022015). Collection method: clinical testing. Allele origin: germline.
Comment: This sequence change replaces aspartic acid, which is acidic and polar, with tyrosine, which is neutral and polar, at codon 451 of the ARHGEF15 protein (p.Asp451Tyr). This variant has not been reported in the literature in individuals affected with ARHGEF15-related conditions. ClinVar contains an entry for this variant (Variation ID: 851173). This variant is not present in population databases (gnomAD no frequency). Algorithms developed to predict the effect of missense changes on protein structure and function are either unavailable or do not agree on the potential impact of this missense change (SIFT: "Deleterious"; PolyPhen-2: "Probably Damaging"; Align-GVGD: "Class C15"). Algorithms developed to predict the effect of sequence changes on RNA splicing suggest that this variant may create or strengthen a splice site. In summary, the available evidence is currently insufficient to determine the role of this variant in disease. Therefore, it has been classified as a Variant of Uncertain Significance.

NM_173728.4(ARHGEF15):c.1351G>T (p.Asp451Tyr)

Gene: ARHGEF15 (Rho guanine nucleotide exchange factor 15; plus strand). Cytogenetic location: 17p13.1.
Variant type: single nucleotide variant.
Coding change: c.1351G>T on transcript NM_173728.4 (MANE Select); coding-DNA position 1351, G replaced by T.
Protein change: p.Asp451Tyr; replaces aspartic acid 451 with tyrosine.
Molecular consequence: missense variant.
Genome position (GRCh38, 1-based): chr17:8,315,504, G>T. VCF-style: chr17-8315504-G-T. GRCh37 (hg19) VCF-style: chr17-8218822-G-T.
Other names: c.1351G>T, p.Asp451Tyr (NM_025014.2); short protein forms D451Y.
Identifiers: ClinVar variation 851173 (VCV000851173.10), dbSNP rs1597463542, ClinGen allele CA398020251.
Genomic context (GRCh38, chr17:8,315,504, plus strand): 5'-TCCTACCTGCGCTCCCTGCGGCTGCTGACCGACACCTTCGTGCTGAGCCAGGCACTCCGG[G>T]ACACGCTCACCCCCCGTGATCACCACACACTCTTCTCCAATGTGCAGCGAGTCCAGGGAG-3'
Protein context (NP_776089.2, residues 441-461): DTFVLSQALR[Asp451Tyr]TLTPRDHHTL